The following is an entry in ClinVar:

NM_003896.4(ST3GAL5):c.1117C>T (p.His373Tyr)

Gene: ST3GAL5 (ST3 beta-galactoside alpha-2,3-sialyltransferase 5; minus strand). Cytogenetic location: 2p11.2.
Variant type: single nucleotide variant.
Coding change: c.1117C>T on transcript NM_003896.4 (MANE Select); coding-DNA position 1117, C replaced by T.
Protein change: p.His373Tyr; replaces histidine 373 with tyrosine.
Molecular consequence: missense variant.
Genome position (GRCh38, 1-based): chr2:85,840,284, G>A on the plus strand (C>T on the coding strand, the complement: ST3GAL5 is on the minus strand). VCF-style: chr2-85840284-G-A. GRCh37 (hg19) VCF-style: chr2-86067407-G-A.
Other names: c.1048C>T, p.His350Tyr (NM_001042437.2); c.733C>T, p.His245Tyr (NM_001354223.2, NM_001354224.2, NM_001354226.2 and 3 more transcripts); c.1033C>T, p.His345Tyr (NM_001354227.2, NM_001354229.2, NM_001354238.1); c.394C>T, p.His132Tyr (NM_001354247.1); c.958C>T, p.His320Tyr (NM_001363847.1); short protein forms H245Y, H350Y, H132Y, H320Y, H345Y, H373Y.
Identifiers: ClinVar variation 1463997 (VCV001463997.8), dbSNP rs2104584101, ClinGen allele CA347502990.

ClinVar aggregate classification (germline): Uncertain significance (1 of 4 stars; one submission).

Conditions:
GM3 synthase deficiency (SPDRS). Also called: SALT AND PEPPER MENTAL RETARDATION SYNDROME; AMISH INFANTILE EPILEPSY SYNDROME; SALT AND PEPPER DEVELOPMENTAL REGRESSION SYNDROME. Identifiers: Orphanet 171714, Orphanet 370933, MedGen C1836824, MONDO:0018274, OMIM 609056.

Submission:

Labcorp Genetics (formerly Invitae), Labcorp
Classification: Uncertain significance for GM3 synthase deficiency. Last evaluated: 2022-06-27. Review status: criteria provided, single submitter. Criteria: Invitae Variant Classification Sherloc (09022015). Collection method: clinical testing. Allele origin: germline.
Comment: In summary, the available evidence is currently insufficient to determine the role of this variant in disease. Therefore, it has been classified as a Variant of Uncertain Significance. Algorithms developed to predict the effect of missense changes on protein structure and function (SIFT, PolyPhen-2, Align-GVGD) all suggest that this variant is likely to be disruptive. This variant has not been reported in the literature in individuals affected with ST3GAL5-related conditions. This variant is not present in population databases (gnomAD no frequency). This sequence change replaces histidine, which is basic and polar, with tyrosine, which is neutral and polar, at codon 373 of the ST3GAL5 protein (p.His373Tyr).